The following is an entry in ClinVar:

ClinVar aggregate classification (germline): Uncertain significance (1 of 4 stars; one submission).

Conditions:
Baller-Gerold syndrome (BGS). Also called: CRANIOSYNOSTOSIS WITH RADIAL DEFECTS. Identifiers: Orphanet 1225, MedGen C0265308, MONDO:0009039, OMIM 218600.

Allele frequency attached by ClinVar (database versions not stated): gnomAD exomes below 0.00001.

Submission:

Labcorp Genetics (formerly Invitae), Labcorp
Classification: Uncertain significance for Baller-Gerold syndrome. Last evaluated: 2024-03-14. Review status: criteria provided, single submitter. Criteria: Invitae Variant Classification Sherloc (09022015). Collection method: clinical testing. Allele origin: germline.
Comment: This sequence change replaces leucine, which is neutral and non-polar, with proline, which is neutral and non-polar, at codon 1149 of the RECQL4 protein (p.Leu1149Pro). The frequency data for this variant in the population databases is considered unreliable, as metrics indicate poor data quality at this position in the gnomAD database. This variant has not been reported in the literature in individuals affected with RECQL4-related conditions. ClinVar contains an entry for this variant (Variation ID: 566979). Advanced modeling of protein sequence and biophysical properties (such as structural, functional, and spatial information, amino acid conservation, physicochemical variation, residue mobility, and thermodynamic stability) performed at Invitae indicates that this missense variant is expected to disrupt RECQL4 protein function with a positive predictive value of 80%. In summary, the available evidence is currently insufficient to determine the role of this variant in disease. Therefore, it has been classified as a Variant of Uncertain Significance.

NM_004260.4(RECQL4):c.3446T>C (p.Leu1149Pro)

Gene: RECQL4 (RecQ like helicase 4; minus strand). Cytogenetic location: 8q24.3.
Variant type: single nucleotide variant.
Coding change: c.3446T>C on transcript NM_004260.4 (MANE Select); coding-DNA position 3446, T replaced by C.
Protein change: p.Leu1149Pro; replaces leucine 1149 with proline.
Molecular consequence: missense variant.
Genome position (GRCh38, 1-based): chr8:144,511,737, A>G on the plus strand (T>C on the coding strand, the complement: RECQL4 is on the minus strand). VCF-style: chr8-144511737-A-G. GRCh37 (hg19) VCF-style: chr8-145737120-A-G.
Other names: short protein forms L1149P.
Identifiers: ClinVar variation 566979 (VCV000566979.4), dbSNP rs1358801934, ClinGen allele CA372667106.